The following is an entry in ClinVar:

ClinVar aggregate classification (germline): Likely pathogenic. Review status: criteria provided, single submitter (1 of 4 stars). 2 submissions from 2 submitters: Likely pathogenic (1). 1 of the submissions does not count toward it. Last evaluated 2022-11-07.

Conditions:
SSR4-congenital disorder of glycosylation. Also called: CDG IY; Congenital disorder of glycosylation type 1y; SSR4-CDG. Identifiers: Orphanet 370927, MedGen C4012395, MONDO:0010490, OMIM 300934.

Submissions (2):

Laboratory of Medical Genetics, National & Kapodistrian University of Athens
Classification: Likely pathogenic for SSR4-congenital disorder of glycosylation. Last evaluated: 2022-11-07. Review status: criteria provided, single submitter. Criteria: ACMG Guidelines, 2015. Collection method: clinical testing. Allele origin: germline. Affected: yes.
Comment: PVS1, PM2

Department of Rehabilitation, Anhui Provincial Children's Hospital
Classification: Likely pathogenic for SSR4-congenital disorder of glycosylation. Last evaluated: 2024-01-24. Review status: no assertion criteria provided. Collection method: clinical testing. Allele origin: maternal. Affected: yes. Not counted in ClinVar's aggregate classification.
Comment: This variant converts the affected codon into a stop codon, thereby altering protein function. Public database queries confirm that mutations in the SSR4 gene (OMIM:300090) cause "Congenital Disorder of Glycosylation, Type Iy (CDG-Iy)" (OMIM:300934).

NM_006280.3(SSR4):c.235C>T (p.Arg79Ter)

Gene: SSR4 (signal sequence receptor subunit 4; plus strand). Cytogenetic location: Xq28.
Variant type: single nucleotide variant.
Coding change: c.235C>T on transcript NM_006280.3 (MANE Select); coding-DNA position 235, C replaced by T.
Protein change: p.Arg79Ter; replaces arginine 79 with a stop codon.
Molecular consequence: nonsense.
Genome position (GRCh38, 1-based): chrX:153,797,506, C>T. VCF-style: chrX-153797506-C-T. GRCh37 (hg19) VCF-style: chrX-153062961-C-T.
Other names: c.268C>T, p.Arg90Ter (NM_001204526.2); c.259C>T, p.Arg87Ter (NM_001204527.2); short protein forms R79*, R87*, R90*.
Identifiers: ClinVar variation 2572630 (VCV002572630.2), dbSNP rs2520526295, ClinGen allele CA415186581.